The following is an entry in ClinVar:

ClinVar aggregate classification (germline): Benign. Review status: criteria provided, multiple submitters, no conflicts (2 of 4 stars). 2 submissions from 2 submitters: Benign (2). Last evaluated 2018-06-19.

Allele frequency attached by ClinVar (database versions not stated): gnomAD exomes 0.28704; 1000 Genomes Project 0.30212; 1000 Genomes Project 30x 0.30809; gnomAD 0.33543 and 0.34268; TOPMed 0.34125.
gnomAD v4.1: 412,265 of 1,410,640 alleles (29%); highest among the groups gnomAD compares: African/African-American, 48%; 63,494 homozygotes.

Submissions (2):

GeneDx
Classification: Benign. Last evaluated: 2018-06-19. Review status: criteria provided, single submitter. Criteria: GeneDx Variant Classification (06012015). Collection method: clinical testing. Allele origin: germline. Affected: yes.
Comment: This variant is considered likely benign or benign based on one or more of the following criteria: it is a conservative change, it occurs at a poorly conserved position in the protein, it is predicted to be benign by multiple in silico algorithms, and/or has population frequency not consistent with disease.

Breakthrough Genomics
Classification: Benign. Review status: criteria provided, single submitter. Criteria: ACMG Guidelines, 2015. Collection method: not provided. Allele origin: germline. Inheritance: Autosomal recessive inheritance. Affected: yes.

NM_005045.4(RELN):c.5210+108T>C

Gene: RELN (reelin; minus strand). Cytogenetic location: 7q22.1.
Variant type: single nucleotide variant.
Coding change: c.5210+108T>C on transcript NM_005045.4 (MANE Select); 108 bases into the intron after coding-DNA position 5210, T replaced by C.
Molecular consequence: intron variant.
Genome position (GRCh38, 1-based): chr7:103,565,170, A>G on the plus strand (T>C on the coding strand, the complement: RELN is on the minus strand). VCF-style: chr7-103565170-A-G. GRCh37 (hg19) VCF-style: chr7-103205617-A-G.
Other names: c.5210+108T>C (NM_173054.3).
Identifiers: ClinVar variation 669131 (VCV000669131.2), dbSNP rs362725, ClinGen allele CA16309851.